The following is an entry in ClinVar:

NM_002691.4(POLD1):c.1971C>T (p.Pro657=)

Gene: POLD1 (DNA polymerase delta 1, catalytic subunit; plus strand). Cytogenetic location: 19q13.33.
Variant type: single nucleotide variant.
Coding change: c.1971C>T on transcript NM_002691.4 (MANE Select); coding-DNA position 1971, C replaced by T.
Protein change: p.Pro657=; no amino-acid change (proline 657 retained).
Molecular consequence: synonymous variant. On other transcripts: non-coding transcript variant (1).
Genome position (GRCh38, 1-based): chr19:50,409,200, C>T. VCF-style: chr19-50409200-C-T. GRCh37 (hg19) VCF-style: chr19-50912457-C-T.
Other names: c.1971C>T, p.Pro657= (NM_001256849.1); c.2049C>T, p.Pro683= (NM_001308632.1).
Identifiers: ClinVar variation 1093650 (VCV001093650.22), dbSNP rs2122377301, ClinGen allele CA508304966.

ClinVar aggregate classification (germline): Likely benign. Review status: criteria provided, multiple submitters, no conflicts (2 of 4 stars). 2 submissions from 2 submitters: Likely benign (2). Last evaluated 2025-05-05.

Conditions:
POLD1-related polyposis and colorectal cancer syndrome (CRCS10). Also called: Colorectal cancer, susceptibility to, 10; COLORECTAL CANCER, SUSCEPTIBILITY TO, ON CHROMOSOME 19q; Colorectal cancer 10. Identifiers: Orphanet 220460, MedGen C2675481, MONDO:0012953, OMIM 612591.

Submissions (2):

Labcorp Genetics (formerly Invitae), Labcorp
Classification: Likely benign for POLD1-related polyposis and colorectal cancer syndrome. Last evaluated: 2025-05-05. Review status: criteria provided, single submitter. Criteria: Invitae Variant Classification Sherloc (09022015). Collection method: clinical testing. Allele origin: germline.

CeGaT Center for Human Genetics Tuebingen
Classification: Likely benign. Last evaluated: 2025-02-01. Review status: criteria provided, single submitter. Criteria: CeGaT Center For Human Genetics Tuebingen Variant Classification Criteria Version 2. Collection method: clinical testing. Allele origin: germline. Affected: yes. Observed: 1 variant allele.
Comment: POLD1: PM2:Supporting, BP4, BP7